The following is an entry in ClinVar:

ClinVar aggregate classification (germline): Uncertain significance. Review status: criteria provided, multiple submitters, no conflicts (2 of 4 stars). 2 submissions from 2 submitters: Uncertain significance (2). Last evaluated 2025-03-30.

Conditions:
Progressive familial heart block type IB (PFHB1B). Identifiers: Orphanet 871, MedGen C1970298, MONDO:0011474, OMIM 604559.
Cardiovascular phenotype. Identifiers: MedGen CN230736.

gnomAD v4.1: 3 of 1,614,094 alleles (0.00019%); highest among the groups gnomAD compares: Non-Finnish European, 0.00025%; no homozygotes.

Submissions (2):

Labcorp Genetics (formerly Invitae), Labcorp
Classification: Uncertain significance for Progressive familial heart block type IB. Last evaluated: 2025-03-30. Review status: criteria provided, single submitter. Criteria: Invitae Variant Classification Sherloc (09022015). Collection method: clinical testing. Allele origin: germline.
Comment: This sequence change replaces arginine, which is basic and polar, with histidine, which is basic and polar, at codon 640 of the TRPM4 protein (p.Arg640His). This variant is not present in population databases (gnomAD no frequency). This variant has not been reported in the literature in individuals affected with TRPM4-related conditions. ClinVar contains an entry for this variant (Variation ID: 2563506). An algorithm developed to predict the effect of missense changes on protein structure and function outputs the following: PolyPhen-2: "Benign". The histidine amino acid residue is found in multiple mammalian species, which suggests that this missense change does not adversely affect protein function. In summary, the available evidence is currently insufficient to determine the role of this variant in disease. Therefore, it has been classified as a Variant of Uncertain Significance.

Ambry Genetics
Classification: Uncertain significance for Cardiovascular phenotype. Last evaluated: 2023-05-04. Review status: criteria provided, single submitter. Criteria: Ambry Variant Classification Scheme 2023. Collection method: clinical testing. Allele origin: germline.
Comment: The p.R640H variant (also known as c.1919G>A), located in coding exon 14 of the TRPM4 gene, results from a G to A substitution at nucleotide position 1919. The arginine at codon 640 is replaced by histidine, an amino acid with highly similar properties. This amino acid position is conserved. In addition, this alteration is predicted to be tolerated by in silico analysis. Since supporting evidence is limited at this time, the clinical significance of this alteration remains unclear.

NM_017636.4(TRPM4):c.1919G>A (p.Arg640His)

Gene: TRPM4 (transient receptor potential cation channel subfamily M member 4; plus strand). Cytogenetic location: 19q13.33.
Variant type: single nucleotide variant.
Coding change: c.1919G>A on transcript NM_017636.4 (MANE Select); coding-DNA position 1919, G replaced by A.
Protein change: p.Arg640His; replaces arginine 640 with histidine.
Molecular consequence: missense variant.
Genome position (GRCh38, 1-based): chr19:49,188,991, G>A. VCF-style: chr19-49188991-G-A. GRCh37 (hg19) VCF-style: chr19-49692248-G-A.
Other names: c.1919G>A, p.Arg640His (NM_001195227.2); c.1574G>A, p.Arg525His (NM_001321281.2); c.311G>A, p.Arg104His (NM_001321282.2); c.1397G>A, p.Arg466His (NM_001321283.2); c.857G>A, p.Arg286His (NM_001321285.2); short protein forms R525H, R104H, R286H, R640H, R466H.
Identifiers: ClinVar variation 2563506 (VCV002563506.3), dbSNP rs2514143918, ClinGen allele CA406803779.